The following is an entry in ClinVar:

NM_001034850.3(RETREG1):c.549del (p.Glu184fs)

Gene: RETREG1 (reticulophagy regulator 1; minus strand). Cytogenetic location: 5p15.1.
Variant type: Deletion.
Coding change: c.549del on transcript NM_001034850.3 (MANE Select); coding-DNA position 549, one base deleted (A; older notation c.549delA).
Protein change: p.Glu184fs; shifts the reading frame from glutamic acid 184.
Molecular consequence: frameshift variant.
Genome position (GRCh38, 1-based): chr5:16,483,382, T deleted on the plus strand (A on the coding strand, the reverse complement: RETREG1 is on the minus strand); the first of 2 consecutive T bases (chr5:16,483,382-16,483,383); deleting either gives the same sequence. VCF-style (leftmost placement, unchanged base first): chr5-16483381-CT-C. GRCh37 (hg19) VCF-style: chr5-16483490-CT-C.
Other names: c.126del, p.Glu43fs (NM_019000.5); short protein forms E184fs, E43fs.
Identifiers: ClinVar variation 3628886 (VCV003628886.2).
Genomic context (GRCh38, chr5:16,483,381, plus strand): 5'-CATACTCCTTTACTGGAAAACTTGCCTTGCCAGGGCTCTGCTGTTTAAAAAGAGACATTT[CT>C]TGAAGAAATATGCTGAAATTCATCCATGATTCTGCAATACAGTGGCTGAGCCTGGGTCTT-3'

ClinVar aggregate classification (germline): Pathogenic (1 of 4 stars; one submission).

Submission:

Labcorp Genetics (formerly Invitae), Labcorp
Classification: Pathogenic. Last evaluated: 2024-04-08. Review status: criteria provided, single submitter. Criteria: Invitae Variant Classification Sherloc (09022015). Collection method: clinical testing. Allele origin: germline.
Comment: This sequence change creates a premature translational stop signal (p.Glu184Lysfs*68) in the RETREG1 gene. It is expected to result in an absent or disrupted protein product. Loss-of-function variants in RETREG1 are known to be pathogenic (PMID: 19838196). This variant is not present in population databases (gnomAD no frequency). This variant has not been reported in the literature in individuals affected with RETREG1-related conditions. For these reasons, this variant has been classified as Pathogenic.

Literature cited by the submitters: PubMed 19838196.